The following is an entry in ClinVar:

NM_004380.3(CREBBP):c.250C>G (p.Pro84Ala)

Gene: CREBBP (CREB binding lysine acetyltransferase; minus strand). Cytogenetic location: 16p13.3.
Variant type: single nucleotide variant.
Coding change: c.250C>G on transcript NM_004380.3 (MANE Select); coding-DNA position 250, C replaced by G.
Protein change: p.Pro84Ala; replaces proline 84 with alanine.
Molecular consequence: missense variant.
Genome position (GRCh38, 1-based): chr16:3,850,845, G>C on the plus strand (C>G on the coding strand, the complement: CREBBP is on the minus strand). VCF-style: chr16-3850845-G-C. GRCh37 (hg19) VCF-style: chr16-3900846-G-C.
Other names: c.250C>G, p.Pro84Ala (NM_001079846.1); short protein forms P84A.
Identifiers: ClinVar variation 2635715 (VCV002635715.3), dbSNP rs770952413, ClinGen allele CA7870715.
Genomic context (GRCh38, chr16:3,850,845, plus strand): 5'-GAGCCTGGCCACCCAGGCCCTGCTGCACGGGGCTGCTGGCGCTCACATTTCCTATTCCTG[G>C]GTTGATACTAGAGCCGCTGCCTCCTCGTAGAAGCTCCGACAGTTGTTTATGTTTGGAAGC-3'
Protein context (NP_004371.2, residues 74-94): LRGGSGSSIN[Pro84Ala]GIGNVSASSP

ClinVar aggregate classification (germline): Uncertain significance (0 of 4 stars; one submission).

Conditions:
CREBBP-related disorder. Also called: CREBBP-related condition; CREBBP-related disorders.

gnomAD v4.1: 4 of 1,614,146 alleles (0.00025%); highest among the groups gnomAD compares: Non-Finnish European, 0.00034%; no homozygotes.

Submission:

PreventionGenetics, part of Exact Sciences
Classification: Uncertain significance for CREBBP-related condition. Last evaluated: 2024-09-02. Review status: no assertion criteria provided. Collection method: clinical testing. Allele origin: germline.
Comment: The CREBBP c.250C>G variant is predicted to result in the amino acid substitution p.Pro84Ala. To our knowledge, this variant has not been reported in the literature. This variant is reported in 0.00088% of alleles in individuals of European (Non-Finnish) descent in gnomAD. At this time, the clinical significance of this variant is uncertain due to the absence of conclusive functional and genetic evidence.